The following is an entry in ClinVar:

NM_020937.4(FANCM):c.4648A>T (p.Thr1550Ser)

Gene: FANCM (FA complementation group M; plus strand). Cytogenetic location: 14q21.2.
Variant type: single nucleotide variant.
Coding change: c.4648A>T on transcript NM_020937.4 (MANE Select); coding-DNA position 4648, A replaced by T.
Protein change: p.Thr1550Ser; replaces threonine 1550 with serine.
Molecular consequence: missense variant.
Genome position (GRCh38, 1-based): chr14:45,185,349, A>T. VCF-style: chr14-45185349-A-T. GRCh37 (hg19) VCF-style: chr14-45654552-A-T.
Other names: c.4570A>T, p.Thr1524Ser (NM_001308133.2); short protein forms T1550S, T1524S.
Identifiers: ClinVar variation 2966725 (VCV002966725.4), dbSNP rs1346823171, ClinGen allele CA389608365.

ClinVar aggregate classification (germline): Uncertain significance. Review status: criteria provided, multiple submitters, no conflicts (2 of 4 stars). 2 submissions from 2 submitters: Uncertain significance (2). Last evaluated 2025-03-10.

Conditions:
Inborn genetic diseases. Identifiers: MedGen C0950123, MeSH D030342.
Fanconi anemia (FA). Also called: Fanconi's anemia. Identifiers: Orphanet 84, MedGen C0015625, MeSH D005199, MONDO:0019391.

Allele frequency attached by ClinVar (database versions not stated): TOPMed 0.00001.

Submissions (2):

Ambry Genetics
Classification: Uncertain significance for Inborn genetic diseases. Last evaluated: 2025-03-10. Review status: criteria provided, single submitter. Criteria: Ambry Variant Classification Scheme 2023. Collection method: clinical testing. Allele origin: germline.
Comment: The p.T1550S variant (also known as c.4648A>T), located in coding exon 18 of the FANCM gene, results from an A to T substitution at nucleotide position 4648. The threonine at codon 1550 is replaced by serine, an amino acid with similar properties. This amino acid position is conserved. In addition, this alteration is predicted to be tolerated by in silico analysis. Based on the available evidence, the clinical significance of this variant remains unclear.

Labcorp Genetics (formerly Invitae), Labcorp
Classification: Uncertain significance for Fanconi anemia. Last evaluated: 2023-02-22. Review status: criteria provided, single submitter. Criteria: Invitae Variant Classification Sherloc (09022015). Collection method: clinical testing. Allele origin: germline.
Comment: This sequence change replaces threonine, which is neutral and polar, with serine, which is neutral and polar, at codon 1550 of the FANCM protein (p.Thr1550Ser). This variant is not present in population databases (gnomAD no frequency). This variant has not been reported in the literature in individuals affected with FANCM-related conditions. An algorithm developed to predict the effect of missense changes on protein structure and function (PolyPhen-2) suggests that this variant is likely to be disruptive. In summary, the available evidence is currently insufficient to determine the role of this variant in disease. Therefore, it has been classified as a Variant of Uncertain Significance.